The following is an entry in ClinVar:

NM_006279.5(ST3GAL3):c.167-2A>G

Gene: ST3GAL3 (ST3 beta-galactoside alpha-2,3-sialyltransferase 3; plus strand). Cytogenetic location: 1p34.1.
Variant type: single nucleotide variant.
Coding change: c.167-2A>G on transcript NM_006279.5 (MANE Select); the canonical splice acceptor site of the intron before coding-DNA position 167, A replaced by G.
Molecular consequence: splice acceptor variant.
Genome position (GRCh38, 1-based): chr1:43,814,889, A>G. VCF-style: chr1-43814889-A-G. GRCh37 (hg19) VCF-style: chr1-44280561-A-G.
Other names: c.212-2A>G (NM_174963.5, NM_001350619.2, NM_174964.4 and 1 more transcripts); c.164-2A>G (NM_001270465.3, NM_001270463.3); c.167-2A>G (NM_174968.5, NM_001363573.2, NM_001350620.2 and 4 more transcripts); c.-287-2A>G (NM_001350621.2); c.119-2A>G (NM_174971.5, NM_001410781.1, NM_174969.4 and 5 more transcripts).
Identifiers: ClinVar variation 2059700 (VCV002059700.1), dbSNP rs2549629250, ClinGen allele CA340265340.
Genomic context (GRCh38, chr1:43,814,889, plus strand): 5'-TGCAATATGCTAGTATCATCAGTGACTTGACTTCAGTGACATTTTCTGCTTTTCTTTTTC[A>G]GAGTATGATCGGTTGGGCTTCCTCCTGAATCTGGACTCTAAACTGTGAGTAGAATGAGAA-3'

ClinVar aggregate classification (germline): Likely pathogenic (1 of 4 stars; one submission).

Conditions:
Developmental and epileptic encephalopathy. Identifiers: MedGen C5779964, MONDO:0100620.

Allele frequency attached by ClinVar (database versions not stated): gnomAD exomes below 0.00001.
gnomAD v4.1: 1 of 1,614,064 alleles (0.000062%); highest among the groups gnomAD compares: Non-Finnish European, 0.000085%; no homozygotes.

Submission:

Labcorp Genetics (formerly Invitae), Labcorp
Classification: Likely pathogenic for Early-infantile DEE. Last evaluated: 2022-07-05. Review status: criteria provided, single submitter. Criteria: Invitae Variant Classification Sherloc (09022015). Collection method: clinical testing. Allele origin: germline.
Comment: This sequence change affects an acceptor splice site in intron 3 of the ST3GAL3 gene. It is expected to disrupt RNA splicing. Variants that disrupt the donor or acceptor splice site typically lead to a loss of protein function (PMID: 16199547), and loss-of-function variants in ST3GAL3 are known to be pathogenic (PMID: 31584066). This variant is not present in population databases (gnomAD no frequency). This variant has not been reported in the literature in individuals affected with ST3GAL3-related conditions. Algorithms developed to predict the effect of sequence changes on RNA splicing suggest that this variant may disrupt the consensus splice site. In summary, the currently available evidence indicates that the variant is pathogenic, but additional data are needed to prove that conclusively. Therefore, this variant has been classified as Likely Pathogenic.

Literature cited by the submitters: PubMed 16199547; PubMed 31584066.